The following is an entry in ClinVar:

NM_004360.5(CDH1):c.1002C>G (p.Asp334Glu)

Gene: CDH1 (cadherin 1; plus strand). Cytogenetic location: 16q22.1.
Variant type: single nucleotide variant.
Coding change: c.1002C>G on transcript NM_004360.5 (MANE Select); coding-DNA position 1002, C replaced by G.
Protein change: p.Asp334Glu; replaces aspartic acid 334 with glutamic acid.
Molecular consequence: missense variant. On other transcripts: 5 prime UTR variant (2).
Genome position (GRCh38, 1-based): chr16:68,811,853, C>G. VCF-style: chr16-68811853-C-G. GRCh37 (hg19) VCF-style: chr16-68845756-C-G.
Other names: c.-818C>G (NM_001317186.2); c.1002C>G, p.Asp334Glu (NM_001317184.2); c.-614C>G (NM_001317185.2); short protein forms D334E.
Identifiers: ClinVar variation 3711635 (VCV003711635.3).
Genomic context (GRCh38, chr16:68,811,853, plus strand): 5'-AAATATGTTCACCATTAACAGGAACACAGGAGTCATCAGTGTGGTCACCACTGGGCTGGA[C>G]CGAGAGGTCAGGGGTCAGGAGGATCCAGAGGGTGTGGAGGACAAATGTGTATTAGCTCAA-3'
Protein context (NP_004351.1, residues 324-344): GVISVVTTGL[Asp334Glu]RESFPTYTLV

ClinVar aggregate classification (germline): Uncertain significance. Review status: criteria provided, multiple submitters, no conflicts (2 of 4 stars). 2 submissions from 2 submitters: Uncertain significance (2). Last evaluated 2025-10-14.

Conditions:
Hereditary diffuse gastric adenocarcinoma (HDGC). Also called: DIFFUSE GASTRIC AND LOBULAR BREAST CANCER SYNDROME. Identifiers: Orphanet 26106, MedGen C1708349, MONDO:0007648, OMIM 137215.
Hereditary cancer-predisposing syndrome. Also called: Hereditary Cancer Syndrome; Neoplastic Syndromes, Hereditary; Tumor predisposition; Hereditary neoplastic syndrome. Identifiers: Orphanet 140162, MedGen C0027672, MeSH D009386, MONDO:0015356.

gnomAD v4.1: 7 of 1,613,976 alleles (0.00043%); highest among the groups gnomAD compares: Non-Finnish European, 0.00059%; no homozygotes.

Submissions (2):

Labcorp Genetics (formerly Invitae), Labcorp
Classification: Uncertain significance for Hereditary diffuse gastric adenocarcinoma. Last evaluated: 2025-10-14. Review status: criteria provided, single submitter. Criteria: Invitae Variant Classification Sherloc (09022015). Collection method: clinical testing. Allele origin: germline.
Comment: This sequence change replaces aspartic acid, which is acidic and polar, with glutamic acid, which is acidic and polar, at codon 334 of the CDH1 protein (p.Asp334Glu). This variant is not present in population databases (gnomAD no frequency). This variant has not been reported in the literature in individuals affected with CDH1-related conditions. ClinVar contains an entry for this variant (Variation ID: 3711635). An algorithm developed to predict the effect of missense changes on protein structure and function (PolyPhen-2) suggests that this variant is likely to be disruptive. In summary, the available evidence is currently insufficient to determine the role of this variant in disease. Therefore, it has been classified as a Variant of Uncertain Significance.

Ambry Genetics
Classification: Uncertain significance for Hereditary cancer-predisposing syndrome. Last evaluated: 2025-06-09. Review status: criteria provided, single submitter. Criteria: Ambry Variant Classification Scheme 2023. Collection method: clinical testing. Allele origin: germline.
Comment: The p.D334E variant (also known as c.1002C>G), located in coding exon 7 of the CDH1 gene, results from a C to G substitution at nucleotide position 1002. The aspartic acid at codon 334 is replaced by glutamic acid, an amino acid with highly similar properties. This amino acid position is highly conserved in available vertebrate species. In addition, this alteration is predicted to be deleterious by in silico analysis. Based on the available evidence, the clinical significance of this variant remains unclear.